The following is an entry in ClinVar:

NM_182972.3(IRF2BP2):c.305G>A (p.Gly102Asp)

Genes: IRF2BP2 (interferon regulatory factor 2 binding protein 2; minus strand), LOC129932812 (ATAC-STARR-seq lymphoblastoid silent region 1977; plus strand). Cytogenetic location: 1q42.3.
Variant type: single nucleotide variant.
Coding change: c.305G>A on transcript NM_182972.3 (MANE Select); coding-DNA position 305, G replaced by A.
Protein change: p.Gly102Asp; replaces glycine 102 with aspartic acid.
Molecular consequence: missense variant.
Genome position (GRCh38, 1-based): chr1:234,609,190, C>T on the plus strand (G>A on the coding strand, the complement: IRF2BP2 is on the minus strand). VCF-style: chr1-234609190-C-T. GRCh37 (hg19) VCF-style: chr1-234744936-C-T.
Other names: c.305G>A, p.Gly102Asp (NM_001077397.1); short protein forms G102D.
Identifiers: ClinVar variation 1499220 (VCV001499220.8), dbSNP rs2102770143, ClinGen allele CA345311227.
Genomic context (GRCh38, chr1:234,609,190, plus strand): 5'-GCGGCCGCCAACGGGTAGCGCTCCAAGGCCTGCGGCGCGCGCGGGGCCGCCTCGGGGCCG[C>T]CGTGGCCAAGCTGCTGCTGCTGCTGCAAAAGGATGTCCTTGGCGGAGAGCGGCGGCGGCT-3'
Protein context (NP_892017.2, residues 92-112): LLQQQQQLGH[Gly102Asp]GPEAAPRAPQ

ClinVar aggregate classification (germline): Uncertain significance (1 of 4 stars; one submission).

Submission:

Labcorp Genetics (formerly Invitae), Labcorp
Classification: Uncertain significance. Last evaluated: 2022-09-07. Review status: criteria provided, single submitter. Criteria: Invitae Variant Classification Sherloc (09022015). Collection method: clinical testing. Allele origin: germline.
Comment: In summary, the available evidence is currently insufficient to determine the role of this variant in disease. Therefore, it has been classified as a Variant of Uncertain Significance. Algorithms developed to predict the effect of missense changes on protein structure and function are either unavailable or do not agree on the potential impact of this missense change (SIFT: "Deleterious"; PolyPhen-2: "Benign"; Align-GVGD: "Class C0"). This sequence change replaces glycine, which is neutral and non-polar, with aspartic acid, which is acidic and polar, at codon 102 of the IRF2BP2 protein (p.Gly102Asp). This variant is not present in population databases (gnomAD no frequency). This variant has not been reported in the literature in individuals affected with IRF2BP2-related conditions. ClinVar contains an entry for this variant (Variation ID: 1499220).